The following is an entry in ClinVar:

ClinVar aggregate classification (germline): Uncertain significance (1 of 4 stars; one submission).

Conditions:
Cardiovascular phenotype. Identifiers: MedGen CN230736.

Submission:

Ambry Genetics
Classification: Uncertain significance for Cardiovascular phenotype. Last evaluated: 2025-09-18. Review status: criteria provided, single submitter. Criteria: Ambry Variant Classification Scheme 2023. Collection method: clinical testing. Allele origin: germline.
Comment: The p.E1825G variant (also known as c.5474A>G), located in coding exon 34 of the MYH6 gene, results from an A to G substitution at nucleotide position 5474. The glutamic acid at codon 1825 is replaced by glycine, an amino acid with similar properties. This amino acid position is conserved. In addition, this alteration is predicted to be deleterious by in silico analysis. Based on the available evidence, the clinical significance of this variant remains unclear.

NM_002471.4(MYH6):c.5474A>G (p.Glu1825Gly)

Gene: MYH6 (myosin heavy chain 6; minus strand). Cytogenetic location: 14q11.2.
Variant type: single nucleotide variant.
Coding change: c.5474A>G on transcript NM_002471.4 (MANE Select); coding-DNA position 5474, A replaced by G.
Protein change: p.Glu1825Gly; replaces glutamic acid 1825 with glycine.
Molecular consequence: missense variant.
Genome position (GRCh38, 1-based): chr14:23,384,533, T>C on the plus strand (A>G on the coding strand, the complement: MYH6 is on the minus strand). VCF-style: chr14-23384533-T-C. GRCh37 (hg19) VCF-style: chr14-23853742-T-C.
Other names: short protein forms E1825G.
Identifiers: ClinVar variation 4614601 (VCV004614601.1).